The following is an entry in ClinVar:

ClinVar aggregate classification (germline): Uncertain significance (1 of 4 stars; one submission).

Allele frequency attached by ClinVar (database versions not stated): gnomAD exomes below 0.00001.
gnomAD v4.1: 2 of 1,614,078 alleles (0.00012%); highest among the groups gnomAD compares: Non-Finnish European, 0.00017%; no homozygotes.

Submission:

Labcorp Genetics (formerly Invitae), Labcorp
Classification: Uncertain significance. Last evaluated: 2021-09-01. Review status: criteria provided, single submitter. Criteria: Invitae Variant Classification Sherloc (09022015). Collection method: clinical testing. Allele origin: germline.
Comment: This sequence change replaces alanine with aspartic acid at codon 2429 of the CDH23 protein (p.Ala2429Asp). The alanine residue is highly conserved and there is a moderate physicochemical difference between alanine and aspartic acid. This variant is not present in population databases (ExAC no frequency). This variant has not been reported in the literature in individuals affected with CDH23-related conditions. Algorithms developed to predict the effect of missense changes on protein structure and function are either unavailable or do not agree on the potential impact of this missense change (SIFT: "Deleterious"; PolyPhen-2: "Not Available"; Align-GVGD: "Class C65"). In summary, the available evidence is currently insufficient to determine the role of this variant in disease. Therefore, it has been classified as a Variant of Uncertain Significance.

NM_022124.6(CDH23):c.7286C>A (p.Ala2429Asp)

Gene: CDH23 (cadherin related 23; plus strand). Cytogenetic location: 10q22.1.
Variant type: single nucleotide variant.
Coding change: c.7286C>A on transcript NM_022124.6 (MANE Select); coding-DNA position 7286, C replaced by A.
Protein change: p.Ala2429Asp; replaces alanine 2429 with aspartic acid.
Molecular consequence: missense variant.
Genome position (GRCh38, 1-based): chr10:71,799,553, C>A. VCF-style: chr10-71799553-C-A. GRCh37 (hg19) VCF-style: chr10-73559310-C-A.
Other names: c.566C>A, p.Ala189Asp (NM_001171933.1, NM_001171934.1); short protein forms A189D, A2429D.
Identifiers: ClinVar variation 1019876 (VCV001019876.6), dbSNP rs1220364677, ClinGen allele CA377159363.